The following is an entry in ClinVar:

NM_006302.3(MOGS):c.1219G>A (p.Gly407Arg)

Gene: MOGS (mannosyl-oligosaccharide glucosidase; minus strand). Cytogenetic location: 2p13.1.
Variant type: single nucleotide variant.
Coding change: c.1219G>A on transcript NM_006302.3 (MANE Select); coding-DNA position 1219, G replaced by A.
Protein change: p.Gly407Arg; replaces glycine 407 with arginine.
Molecular consequence: missense variant.
Genome position (GRCh38, 1-based): chr2:74,462,570, C>T on the plus strand (G>A on the coding strand, the complement: MOGS is on the minus strand). VCF-style: chr2-74462570-C-T. GRCh37 (hg19) VCF-style: chr2-74689697-C-T.
Other names: c.1219G>A (NM_006302.2); c.901G>A, p.Gly301Arg (NM_001146158.2); short protein forms G301R, G407R.
Identifiers: ClinVar variation 2189870 (VCV002189870.2), dbSNP rs574457680, ClinGen allele CA1724826.

ClinVar aggregate classification (germline): Uncertain significance. Review status: criteria provided, multiple submitters, no conflicts (2 of 4 stars). 2 submissions from 2 submitters: Uncertain significance (2). Last evaluated 2021-12-22.

Conditions:
Inborn genetic diseases. Identifiers: MedGen C0950123, MeSH D030342.
MOGS-congenital disorder of glycosylation. Also called: MOGS-CDG; GLUCOSIDASE I DEFICIENCY; CDG IIb; CDG 2B. Identifiers: Orphanet 79330, MedGen C1853736, MONDO:0011629, OMIM 606056.

Allele frequency attached by ClinVar (database versions not stated): ExAC 0.00003; 1000 Genomes Project 0.00020; 1000 Genomes Project 30x 0.00031.
gnomAD v4.1: 16 of 1,613,382 alleles (0.00099%); highest among the groups gnomAD compares: South Asian, 0.0055%; no homozygotes.

Submissions (2):

Labcorp Genetics (formerly Invitae), Labcorp
Classification: Uncertain significance for MOGS-congenital disorder of glycosylation. Last evaluated: 2021-12-22. Review status: criteria provided, single submitter. Criteria: Invitae Variant Classification Sherloc (09022015). Collection method: clinical testing. Allele origin: germline.
Comment: This sequence change replaces glycine, which is neutral and non-polar, with arginine, which is basic and polar, at codon 407 of the MOGS protein (p.Gly407Arg). This variant is present in population databases (rs574457680, gnomAD 0.01%). This variant has not been reported in the literature in individuals affected with MOGS-related conditions. Algorithms developed to predict the effect of missense changes on protein structure and function (SIFT, PolyPhen-2, Align-GVGD) all suggest that this variant is likely to be disruptive. Algorithms developed to predict the effect of sequence changes on RNA splicing suggest that this variant may create or strengthen a splice site. In summary, the available evidence is currently insufficient to determine the role of this variant in disease. Therefore, it has been classified as a Variant of Uncertain Significance.

Ambry Genetics
Classification: Uncertain significance for Inborn genetic diseases. Last evaluated: 2021-11-12. Review status: criteria provided, single submitter. Criteria: Ambry Variant Classification Scheme 2023. Collection method: clinical testing. Allele origin: germline.